The following is an entry in ClinVar:

ClinVar aggregate classification (germline): Uncertain significance (1 of 4 stars; one submission).

Submission:

Labcorp Genetics (formerly Invitae), Labcorp
Classification: Uncertain significance. Last evaluated: 2022-06-30. Review status: criteria provided, single submitter. Criteria: Invitae Variant Classification Sherloc (09022015). Collection method: clinical testing. Allele origin: germline.
Comment: This variant has not been reported in the literature in individuals affected with LTBP4-related conditions. This sequence change replaces glutamine, which is neutral and polar, with leucine, which is neutral and non-polar, at codon 1062 of the LTBP4 protein (p.Gln1062Leu). This variant is not present in population databases (gnomAD no frequency). Experimental studies and prediction algorithms are not available or were not evaluated, and the functional significance of this variant is currently unknown. In summary, the available evidence is currently insufficient to determine the role of this variant in disease. Therefore, it has been classified as a Variant of Uncertain Significance.

NM_001042545.2(LTBP4):c.3095A>T (p.Gln1032Leu)

Gene: LTBP4 (latent transforming growth factor beta binding protein 4; plus strand). Cytogenetic location: 19q13.2.
Variant type: single nucleotide variant.
Coding change: c.3095A>T on transcript NM_001042545.2 (MANE Select); coding-DNA position 3095, A replaced by T.
Protein change: p.Gln1032Leu; replaces glutamine 1032 with leucine.
Molecular consequence: missense variant.
Genome position (GRCh38, 1-based): chr19:40,619,371, A>T. VCF-style: chr19-40619371-A-T. GRCh37 (hg19) VCF-style: chr19-41125276-A-T.
Other names: c.3296A>T, p.Gln1099Leu (NM_001042544.1); c.3185A>T, p.Gln1062Leu (NM_003573.2); short protein forms Q1032L, Q1099L, Q1062L.
Identifiers: ClinVar variation 2012431 (VCV002012431.4), dbSNP rs773744587, ClinGen allele CA405940708.